The following is an entry in ClinVar:

ClinVar aggregate classification (germline): Uncertain significance. Review status: criteria provided, multiple submitters, no conflicts (2 of 4 stars). 4 submissions from 4 submitters: Uncertain significance (3). 1 of the submissions does not count toward it. Last evaluated 2024-02-26.

Conditions:
Inborn genetic diseases. Identifiers: MedGen C0950123, MeSH D030342.
Neuronal ceroid lipofuscinosis 7 (CLN7). Also called: MFSD8-Related Neuronal Ceroid-Lipofuscinosis. Identifiers: Orphanet 168491, Orphanet 228366, MedGen C1838571, MONDO:0012588, OMIM 610951.
Late-infantile neuronal ceroid lipofuscinosis. Also called: Jansky-Bielschowsky disease. Identifiers: MedGen C0022340, MONDO:0015674.

Allele frequency attached by ClinVar (database versions not stated): gnomAD 0.00001; gnomAD exomes 0.00001; TOPMed 0.00002.
gnomAD v4.1: 11 of 1,613,438 alleles (0.00068%); highest among the groups gnomAD compares: Admixed American, 0.018%; 1 homozygote.

Submissions (4):

Labcorp Genetics (formerly Invitae), Labcorp
Classification: Uncertain significance for Neuronal ceroid lipofuscinosis 7. Last evaluated: 2024-02-26. Review status: criteria provided, single submitter. Criteria: Invitae Variant Classification Sherloc (09022015). Collection method: clinical testing. Allele origin: germline.
Comment: This sequence change replaces valine, which is neutral and non-polar, with methionine, which is neutral and non-polar, at codon 278 of the MFSD8 protein (p.Val278Met). This variant is present in population databases (rs796052743, gnomAD 0.02%). This variant has not been reported in the literature in individuals affected with MFSD8-related conditions. ClinVar contains an entry for this variant (Variation ID: 206155). Advanced modeling of protein sequence and biophysical properties (such as structural, functional, and spatial information, amino acid conservation, physicochemical variation, residue mobility, and thermodynamic stability) performed at Invitae indicates that this missense variant is not expected to disrupt MFSD8 protein function with a negative predictive value of 80%. In summary, the available evidence is currently insufficient to determine the role of this variant in disease. Therefore, it has been classified as a Variant of Uncertain Significance.

Ambry Genetics
Classification: Uncertain significance for Inborn genetic diseases. Last evaluated: 2019-04-25. Review status: criteria provided, single submitter. Criteria: Ambry Variant Classification Scheme 2023. Collection method: clinical testing. Allele origin: germline.
Comment: The p.V278M variant (also known as c.832G>A), located in coding exon 8 of the MFSD8 gene, results from a G to A substitution at nucleotide position 832. The valine at codon 278 is replaced by methionine, an amino acid with highly similar properties. This amino acid position is well conserved in available vertebrate species. In addition, the in silico prediction for this alteration is inconclusive. Since supporting evidence is limited at this time, the clinical significance of this alteration remains unclear.

GeneDx
Classification: Uncertain significance. Last evaluated: 2014-02-21. Review status: criteria provided, single submitter. Criteria: GeneDx Variant Classification (06012015). Collection method: clinical testing. Allele origin: germline. Affected: yes.
Comment: p.Val278Met (GTG>ATG): c.832 G>A in exon 9 of the MFSD8 gene (NM_152778.2)A variant of unknown significance has been identified in the MFSD8 gene. The Val278Met variant has not been published as a mutation, nor has it been reported as a benign polymorphism to our knowledge. It was not observed in approximately 6,500 individuals of European and African American ancestry in the NHLBI Exome Sequencing Project, indicating it is not a common benign variant in these populations. The Val278Met variant is a conservative amino acid substitution, which is not likely to impact secondary protein structure as these residues share similar properties. In addition, this substitution occurs at a position in the transmembrane domain of the MFSD8 protein that is not conserved across all species, nor have nearby missense mutations been reported in the literature to our knowledge. However, in silico analysis predicts this variant is probably damaging to the protein structure/function. Therefore, based on the currently available information, it is unclear whether this variant is a pathogenic mutation or a rare benign variant. The variant is found in INFANT-EPI panel(s).

Natera, Inc.
Classification: Uncertain significance for Late-infantile neuronal ceroid lipofuscinosis. Last evaluated: 2020-03-17. Review status: no assertion criteria provided. Collection method: clinical testing. Allele origin: germline. Not counted in ClinVar's aggregate classification.

NM_001371596.2(MFSD8):c.832G>A (p.Val278Met)

Gene: MFSD8 (major facilitator superfamily domain containing 8; minus strand). Cytogenetic location: 4q28.2.
Variant type: single nucleotide variant.
Coding change: c.832G>A on transcript NM_001371596.2 (MANE Select); coding-DNA position 832, G replaced by A.
Protein change: p.Val278Met; replaces valine 278 with methionine.
Molecular consequence: missense variant.
Genome position (GRCh38, 1-based): chr4:127,933,016, C>T on the plus strand (G>A on the coding strand, the complement: MFSD8 is on the minus strand). VCF-style: chr4-127933016-C-T. GRCh37 (hg19) VCF-style: chr4-128854171-C-T.
Other names: p.V278M:GTG>ATG; c.631G>A, p.Val211Met (NM_001363520.3); c.517G>A, p.Val173Met (NM_001363521.3); c.697G>A, p.Val233Met (NM_001371590.2); c.832G>A, p.Val278Met (NM_001371591.2, NM_152778.4); c.838G>A, p.Val280Met (NM_001371592.2); c.718G>A, p.Val240Met (NM_001371593.2, NM_001410766.1); c.685G>A, p.Val229Met (NM_001371594.2); and 2 more; short protein forms V278M, V173M, V211M, V184M, V229M, V233M, V240M, V280M.
Identifiers: ClinVar variation 206155 (VCV000206155.10), dbSNP rs796052743, ClinGen allele CA315973.
Genomic context (GRCh38, chr4:127,933,016, plus strand): 5'-GATTCAGATGAAGATGGAATAAAACTTACGTTTCAAAAAGGGCAAAGATAAATAGAGTCA[C>T]AAAAAACAGAACATTGATGGCCACAACAGCAACCTGGTCAATATTTCCTTGGGGAACCTG-3'
Protein context (NP_001358525.1, residues 268-288): AVVAINVLFF[Val278Met]TLFIFALFET